The following is an entry in ClinVar:

NM_001999.4(FBN2):c.5966G>T (p.Arg1989Leu)

Gene: FBN2 (fibrillin 2; minus strand). Cytogenetic location: 5q23.3.
Variant type: single nucleotide variant.
Coding change: c.5966G>T on transcript NM_001999.4 (MANE Select); coding-DNA position 5966, G replaced by T.
Protein change: p.Arg1989Leu; replaces arginine 1989 with leucine.
Molecular consequence: missense variant.
Genome position (GRCh38, 1-based): chr5:128,301,462, C>A on the plus strand (G>T on the coding strand, the complement: FBN2 is on the minus strand). VCF-style: chr5-128301462-C-A. GRCh37 (hg19) VCF-style: chr5-127637154-C-A.
Other names: short protein forms R1989L.
Identifiers: ClinVar variation 4724143 (VCV004724143.1).
Genomic context (GRCh38, chr5:128,301,462, plus strand): 5'-GGGGTAAGTTCATAACCTTCGTTACATAGACACTTGAAAGAACCAATTTCATTAAAACAA[C>A]GTCCATTTCTGCACACCTGACCAAAAAAGGAACTGCACTCATCTATGTCTGTAAGCAAAC-3'
Protein context (NP_001990.2, residues 1979-1999): SFFGQVCRNG[Arg1989Leu]CFNEIGSFKC

ClinVar aggregate classification (germline): Uncertain significance (1 of 4 stars; one submission).

Conditions:
Congenital contractural arachnodactyly (CCA). Also called: Arthrogryposis, distal, type 9; BEALS SYNDROME; Beals-Hecht syndrome. Identifiers: Orphanet 115, MedGen C0220668, MONDO:0007363, OMIM 121050.

gnomAD v4.1: 24 of 1,613,294 alleles (0.0015%); highest among the groups gnomAD compares: Non-Finnish European, 0.002%; no homozygotes.

Submission:

Labcorp Genetics (formerly Invitae), Labcorp
Classification: Uncertain significance for Congenital contractural arachnodactyly. Last evaluated: 2025-03-23. Review status: criteria provided, single submitter. Criteria: Invitae Variant Classification Sherloc (09022015). Collection method: clinical testing. Allele origin: germline.
Comment: This sequence change replaces arginine, which is basic and polar, with leucine, which is neutral and non-polar, at codon 1989 of the FBN2 protein (p.Arg1989Leu). This variant is present in population databases (rs189964478, gnomAD 0.002%). This variant has not been reported in the literature in individuals affected with FBN2-related conditions. Invitae Evidence Modeling of protein sequence and biophysical properties (such as structural, functional, and spatial information, amino acid conservation, physicochemical variation, residue mobility, and thermodynamic stability) indicates that this missense variant is not expected to disrupt FBN2 protein function with a negative predictive value of 80%. In summary, the available evidence is currently insufficient to determine the role of this variant in disease. Therefore, it has been classified as a Variant of Uncertain Significance.